The following is an entry in ClinVar:

ClinVar aggregate classification (germline): Uncertain significance. Review status: criteria provided, multiple submitters, no conflicts (2 of 4 stars). 2 submissions from 2 submitters: Uncertain significance (2). Last evaluated 2025-05-13.

Allele frequency attached by ClinVar (database versions not stated): ExAC 0.00001; gnomAD 0.00001; TOPMed 0.00001; gnomAD exomes 0.00009.
gnomAD v4.1: 129 of 1,610,832 alleles (0.008%); highest among the groups gnomAD compares: Non-Finnish European, 0.011%; no homozygotes.

Submissions (2):

GeneDx
Classification: Uncertain significance. Last evaluated: 2025-05-13. Review status: criteria provided, single submitter. Criteria: GeneDx Variant Classification Process June 2021. Collection method: clinical testing. Allele origin: germline. Affected: yes.
Comment: Not observed at significant frequency in large population cohorts (gnomAD); In silico analysis suggests that this missense variant does not alter protein structure/function; Has not been previously published as pathogenic or benign to our knowledge

Labcorp Genetics (formerly Invitae), Labcorp
Classification: Uncertain significance. Last evaluated: 2023-04-09. Review status: criteria provided, single submitter. Criteria: Invitae Variant Classification Sherloc (09022015). Collection method: clinical testing. Allele origin: germline.
Comment: This sequence change replaces valine, which is neutral and non-polar, with alanine, which is neutral and non-polar, at codon 40 of the WNT1 protein (p.Val40Ala). This variant is present in population databases (rs755253307, gnomAD 0.003%). This variant has not been reported in the literature in individuals affected with WNT1-related conditions. An algorithm developed to predict the effect of missense changes on protein structure and function (PolyPhen-2) suggests that this variant is likely to be tolerated. In summary, the available evidence is currently insufficient to determine the role of this variant in disease. Therefore, it has been classified as a Variant of Uncertain Significance.

NM_005430.4(WNT1):c.119T>C (p.Val40Ala)

Gene: WNT1 (Wnt family member 1; plus strand). Cytogenetic location: 12q13.12.
Variant type: single nucleotide variant.
Coding change: c.119T>C on transcript NM_005430.4 (MANE Select); coding-DNA position 119, T replaced by C.
Protein change: p.Val40Ala; replaces valine 40 with alanine.
Molecular consequence: missense variant.
Genome position (GRCh38, 1-based): chr12:48,979,482, T>C. VCF-style: chr12-48979482-T-C. GRCh37 (hg19) VCF-style: chr12-49373265-T-C.
Other names: c.119T>C (NM_005430.3); short protein forms V40A.
Identifiers: ClinVar variation 2991495 (VCV002991495.4), dbSNP rs755253307, ClinGen allele CA6544332.